The following is an entry in ClinVar:

NM_000787.4(DBH):c.1028G>A (p.Arg343Gln)

Gene: DBH (dopamine beta-hydroxylase; plus strand). Cytogenetic location: 9q34.2.
Variant type: single nucleotide variant.
Coding change: c.1028G>A on transcript NM_000787.4 (MANE Select); coding-DNA position 1028, G replaced by A.
Protein change: p.Arg343Gln; replaces arginine 343 with glutamine.
Molecular consequence: missense variant.
Genome position (GRCh38, 1-based): chr9:133,647,849, G>A. VCF-style: chr9-133647849-G-A. GRCh37 (hg19) VCF-style: chr9-136512971-G-A.
Other names: short protein forms R343Q.
Identifiers: ClinVar variation 365656 (VCV000365656.10), dbSNP rs369664655, ClinGen allele CA5313292.
Genomic context (GRCh38, chr9:133,647,849, plus strand): 5'-GGGAAGTGAGAGGGCCTCCACTTACCGCTCACCTCCATCCATCCCACCTTCTCCCAGGAC[G>A]AAACGACTCCTCAGGCATCCGCTTGTACTACACAGCCAAGCTGCGGCGCTTCAACGCGGG-3'
Protein context (NP_000778.3, residues 333-353): HYHNPLVIEG[Arg343Gln]NDSSGIRLYY

ClinVar aggregate classification (germline): Uncertain significance. Review status: criteria provided, multiple submitters, no conflicts (2 of 4 stars). 2 submissions from 2 submitters: Uncertain significance (2). Last evaluated 2023-10-13.

Conditions:
Orthostatic hypotension 1 (ORTHYP1). Also called: Dopamine beta-hydroxylase deficiency; Orthostatic hypotension 1, due to DBH deficiency; NORADRENALINE DEFICIENCY; NOREPINEPHRINE DEFICIENCY. Identifiers: Orphanet 230, MedGen C4746777, MONDO:0009123, OMIM 223360.

Allele frequency attached by ClinVar (database versions not stated): ESP Exome Variant Server 0.00008; gnomAD exomes 0.00010 and 0.00037; ExAC 0.00012; gnomAD 0.00027 and 0.00028; TOPMed 0.00031; 1000 Genomes Project 0.00060; 1000 Genomes Project 30x 0.00062.
gnomAD v4.1: 580 of 1,614,160 alleles (0.036%); highest among the groups gnomAD compares: Non-Finnish European, 0.044%; no homozygotes.

Submissions (2):

Labcorp Genetics (formerly Invitae), Labcorp
Classification: Uncertain significance for Orthostatic hypotension 1. Last evaluated: 2023-10-13. Review status: criteria provided, single submitter. Criteria: Invitae Variant Classification Sherloc (09022015). Collection method: clinical testing. Allele origin: germline.
Comment: This sequence change replaces arginine, which is basic and polar, with glutamine, which is neutral and polar, at codon 343 of the DBH protein (p.Arg343Gln). This variant is present in population databases (rs369664655, gnomAD 0.05%). This variant has not been reported in the literature in individuals affected with DBH-related conditions. ClinVar contains an entry for this variant (Variation ID: 365656). Algorithms developed to predict the effect of missense changes on protein structure and function output the following: SIFT: "Not Available"; PolyPhen-2: "Benign"; Align-GVGD: "Not Available". The glutamine amino acid residue is found in multiple mammalian species, which suggests that this missense change does not adversely affect protein function. In summary, the available evidence is currently insufficient to determine the role of this variant in disease. Therefore, it has been classified as a Variant of Uncertain Significance.

Illumina Laboratory Services, Illumina
Classification: Uncertain significance for Orthostatic hypotension 1. Last evaluated: 2018-01-13. Review status: criteria provided, single submitter. Criteria: ICSL Variant Classification Criteria 13 December 2019. Collection method: clinical testing. Allele origin: germline.